The following is an entry in ClinVar:

ClinVar aggregate classification (germline): Benign/Likely benign. Review status: criteria provided, multiple submitters, no conflicts (2 of 4 stars). 4 submissions from 4 submitters: Benign (1); Likely benign (3). Last evaluated 2026-01-06.

Conditions:
MID1-related disorder. Also called: MID1-related condition.

Allele frequency attached by ClinVar (database versions not stated): ExAC 0.00006; TOPMed 0.00007; gnomAD 0.00010; gnomAD exomes 0.00017; 1000 Genomes Project 30x 0.00042.
gnomAD v4.1: 192 of 1,192,592 alleles (0.016%); highest among the groups gnomAD compares: Non-Finnish European, 0.02%; no homozygotes.

Submissions (4):

Labcorp Genetics (formerly Invitae), Labcorp
Classification: Benign. Last evaluated: 2026-01-06. Review status: criteria provided, single submitter. Criteria: Invitae Variant Classification Sherloc (09022015). Collection method: clinical testing. Allele origin: germline.

PreventionGenetics, part of Exact Sciences
Classification: Likely benign for MID1-related condition. Last evaluated: 2024-11-26. Review status: criteria provided, single submitter. Criteria: ACMG Guidelines, 2015. Collection method: clinical testing. Allele origin: germline.
Comment: This variant is classified as likely benign based on ACMG/AMP sequence variant interpretation guidelines (Richards et al. 2015 PMID: 25741868, with internal and published modifications).

Blueprint Genetics
Classification: Likely benign. Last evaluated: 2024-03-19. Review status: criteria provided, single submitter. Criteria: ACMG Guidelines, 2015. Collection method: clinical testing. Allele origin: germline.

CeGaT Center for Human Genetics Tuebingen
Classification: Likely benign. Last evaluated: 2023-02-01. Review status: criteria provided, single submitter. Criteria: CeGaT Center For Human Genetics Tuebingen Variant Classification Criteria Version 2. Collection method: clinical testing. Allele origin: germline. Affected: yes. Observed: 1 variant allele.
Comment: MID1: BP4, BP7, BS2

NM_000381.4(MID1):c.237A>G (p.Leu79=)

Gene: MID1 (midline 1; minus strand). Cytogenetic location: Xp22.2.
Variant type: single nucleotide variant.
Coding change: c.237A>G on transcript NM_000381.4 (MANE Select); coding-DNA position 237, A replaced by G.
Protein change: p.Leu79=; no amino-acid change (leucine 79 retained).
Molecular consequence: synonymous variant.
Genome position (GRCh38, 1-based): chrX:10,567,311, T>C on the plus strand (A>G on the coding strand, the complement: MID1 is on the minus strand). VCF-style: chrX-10567311-T-C. GRCh37 (hg19) VCF-style: chrX-10535351-T-C.
Other names: c.237A>G, p.Leu79= (NM_001098624.2, NM_001193277.1, NM_001193278.1 and 5 more transcripts); c.237A>G (NM_000381.3).
Identifiers: ClinVar variation 2183163 (VCV002183163.30), dbSNP rs773584650, ClinGen allele CA10347718.